The following is an entry in ClinVar:

ClinVar aggregate classification (germline): Likely benign (1 of 4 stars; one submission).

Allele frequency attached by ClinVar (database versions not stated): TOPMed 0.00002; gnomAD 0.00007; gnomAD exomes 0.00011; ExAC 0.00030; 1000 Genomes Project 30x 0.00031; 1000 Genomes Project 0.00040.
gnomAD v4.1: 169 of 1,612,928 alleles (0.01%); highest among the groups gnomAD compares: South Asian, 0.16%; 1 homozygote.

Submission:

CeGaT Center for Human Genetics Tuebingen
Classification: Likely benign. Last evaluated: 2023-03-01. Review status: criteria provided, single submitter. Criteria: CeGaT Center For Human Genetics Tuebingen Variant Classification Criteria Version 2. Collection method: clinical testing. Allele origin: germline. Affected: yes. Observed: 1 variant allele.
Comment: ERBB3: BP4, BP7

NM_001982.4(ERBB3):c.2607T>C (p.Ser869=)

Gene: ERBB3 (erb-b2 receptor tyrosine kinase 3; plus strand). Cytogenetic location: 12q13.2.
Variant type: single nucleotide variant.
Coding change: c.2607T>C on transcript NM_001982.4 (MANE Select); coding-DNA position 2607, T replaced by C.
Protein change: p.Ser869=; no amino-acid change (serine 869 retained).
Molecular consequence: synonymous variant.
Genome position (GRCh38, 1-based): chr12:56,097,931, T>C. VCF-style: chr12-56097931-T-C. GRCh37 (hg19) VCF-style: chr12-56491715-T-C.
Identifiers: ClinVar variation 2643068 (VCV002643068.24), dbSNP rs541947408, ClinGen allele CA6622636.